The following is an entry in ClinVar:

NM_001401501.2(MUC16):c.2263G>A (p.Ala755Thr)

Gene: MUC16 (mucin 16, cell surface associated; minus strand). Cytogenetic location: 19p13.2.
Variant type: single nucleotide variant.
Coding change: c.2263G>A on transcript NM_001401501.2 (MANE Select); coding-DNA position 2263, G replaced by A.
Protein change: p.Ala755Thr; replaces alanine 755 with threonine.
Molecular consequence: missense variant.
Genome position (GRCh38, 1-based): chr19:8,978,996, C>T on the plus strand (G>A on the coding strand, the complement: MUC16 is on the minus strand). VCF-style: chr19-8978996-C-T. GRCh37 (hg19) VCF-style: chr19-9089672-C-T.
Other names: c.2689G>A, p.Ala897Thr (NM_001414686.1); c.2143G>A, p.Ala715Thr (NM_001414687.1, NM_024690.2); short protein forms A715T, A755T, A897T.
Identifiers: ClinVar variation 781438 (VCV000781438.6), dbSNP rs116477649, ClinGen allele CA9173255.
Genomic context (GRCh38, chr19:8,978,996, plus strand): 5'-CCTCAAGAACTGAAGCAGATGACAACAGAGGAATGCTGGTGCTTATCTTGGTGTGTCCTG[C>T]AGAGTCTGGTTCAGGGGAAGAGAAGGGATGTCTAGTGTTTAATGGAGTCAGTCCCAGGCT-3'
Protein context (NP_001388430.1, residues 745-765): HPFSSPEPDS[Ala755Thr]GHTKISTSIP

ClinVar aggregate classification (germline): Benign. Review status: criteria provided, multiple submitters, no conflicts (2 of 4 stars). 3 submissions from 3 submitters: Benign (2). 1 of the submissions does not count toward it. Last evaluated 2018-08-14.

Conditions:
MUC16-related disorder. Also called: MUC16-related condition.

Allele frequency attached by ClinVar (database versions not stated): gnomAD exomes 0.00180 and 0.00413; ExAC 0.00503; gnomAD 0.01551 and 0.01649; 1000 Genomes Project 0.01697; 1000 Genomes Project 30x 0.01796; ESP Exome Variant Server 0.01737; TOPMed 0.01766.

Submissions (3):

Labcorp Genetics (formerly Invitae), Labcorp
Classification: Benign. Last evaluated: 2018-08-14. Review status: criteria provided, single submitter. Criteria: Invitae Variant Classification Sherloc (09022015). Collection method: clinical testing. Allele origin: germline.

Breakthrough Genomics
Classification: Benign. Review status: criteria provided, single submitter. Criteria: ACMG Guidelines, 2015. Collection method: not provided. Allele origin: germline. Inheritance: Unknown mechanism. Affected: yes.

PreventionGenetics, part of Exact Sciences
Classification: Benign for MUC16-related condition. Last evaluated: 2019-03-25. Review status: no assertion criteria provided. Collection method: clinical testing. Allele origin: germline. Not counted in ClinVar's aggregate classification.
Comment: This variant is classified as benign based on ACMG/AMP sequence variant interpretation guidelines (Richards et al. 2015 PMID: 25741868, with internal and published modifications).